The following is an entry in ClinVar:

ClinVar aggregate classification (germline): Uncertain significance. Review status: criteria provided, multiple submitters, no conflicts (2 of 4 stars). 2 submissions from 2 submitters: Uncertain significance (2). Last evaluated 2023-10-06.

Allele frequency attached by ClinVar (database versions not stated): TOPMed 0.00001; gnomAD 0.00002; gnomAD exomes 0.00005; ExAC 0.00010.
gnomAD v4.1: 69 of 1,613,854 alleles (0.0043%); highest among the groups gnomAD compares: South Asian, 0.07%; no homozygotes.

Submissions (2):

Blueprint Genetics
Classification: Uncertain significance. Last evaluated: 2023-10-06. Review status: criteria provided, single submitter. Criteria: ACMG Guidelines, 2015. Collection method: clinical testing. Allele origin: germline.

Labcorp Genetics (formerly Invitae), Labcorp
Classification: Uncertain significance. Last evaluated: 2022-08-08. Review status: criteria provided, single submitter. Criteria: Invitae Variant Classification Sherloc (09022015). Collection method: clinical testing. Allele origin: germline.
Comment: In summary, the available evidence is currently insufficient to determine the role of this variant in disease. Therefore, it has been classified as a Variant of Uncertain Significance. Algorithms developed to predict the effect of missense changes on protein structure and function are either unavailable or do not agree on the potential impact of this missense change (SIFT: "Deleterious"; PolyPhen-2: "Benign"; Align-GVGD: "Class C0"). This variant has not been reported in the literature in individuals affected with ATP8A2-related conditions. This variant is present in population databases (rs777646390, gnomAD 0.07%). This sequence change replaces arginine, which is basic and polar, with histidine, which is basic and polar, at codon 682 of the ATP8A2 protein (p.Arg682His).

NM_016529.6(ATP8A2):c.2045G>A (p.Arg682His)

Gene: ATP8A2 (ATPase phospholipid transporting 8A2). Cytogenetic location: 13q12.13.
Variant type: single nucleotide variant.
Coding change: c.2045G>A on transcript NM_016529.6 (MANE Select); coding-DNA position 2045, G replaced by A.
Protein change: p.Arg682His; replaces arginine 682 with histidine.
Molecular consequence: missense variant.
Genome position (GRCh38, 1-based): chr13:25,581,856, G>A. VCF-style: chr13-25581856-G-A. GRCh37 (hg19) VCF-style: chr13-26155994-G-A.
Other names: c.1925G>A, p.Arg642His (NM_001313741.1); c.2045G>A, p.Arg682His (NM_001411005.1, NM_001411006.1); short protein forms R642H, R682H.
Identifiers: ClinVar variation 1942352 (VCV001942352.4), dbSNP rs777646390, ClinGen allele CA6923174.